The following is an entry in ClinVar:

ClinVar aggregate classification (germline): Pathogenic (1 of 4 stars; one submission).

Conditions:
Hereditary pheochromocytoma and paraganglioma. Also called: Hereditary paragangliomas and pheochromocytomas; Hereditary Paraganglioma-Pheochromocytoma Syndromes; Hereditary pheochromocytoma-paraganglioma. Identifiers: Orphanet 29072, MedGen C4274332, MONDO:0017366.

Submission:

Labcorp Genetics (formerly Invitae), Labcorp
Classification: Pathogenic for Hereditary pheochromocytoma and paraganglioma. Last evaluated: 2023-09-29. Review status: criteria provided, single submitter. Criteria: Invitae Variant Classification Sherloc (09022015). Collection method: clinical testing. Allele origin: germline.
Comment: This sequence change creates a premature translational stop signal (p.Leu9Alafs*64) in the TMEM127 gene. It is expected to result in an absent or disrupted protein product. Loss-of-function variants in TMEM127 are known to be pathogenic (PMID: 20154675, 21156949). This variant is not present in population databases (gnomAD no frequency). This variant has not been reported in the literature in individuals affected with TMEM127-related conditions. ClinVar contains an entry for this variant (Variation ID: 1451314). For these reasons, this variant has been classified as Pathogenic.

Literature cited by the submitters: PubMed 20154675; PubMed 21156949.

NM_017849.4(TMEM127):c.24_48del (p.Leu9fs)

Genes: TMEM127 (transmembrane protein 127; minus strand), LOC129934333 (ATAC-STARR-seq lymphoblastoid silent region 11759; plus strand). Cytogenetic location: 2q11.2.
Variant type: Deletion.
Coding change: c.24_48del on transcript NM_017849.4 (MANE Select); coding-DNA positions 24 to 48, 25 bases deleted (GCTGCCCGGCGGGCGCCGGCGGAGG).
Protein change: p.Leu9fs; shifts the reading frame from leucine 9.
Molecular consequence: frameshift variant.
Genome position (GRCh38, 1-based): chr2:96,265,334-96,265,358, CCTCCGCCGGCGCCCGCCGGGCAGC deleted on the plus strand (GCTGCCCGGCGGGCGCCGGCGGAGG on the coding strand, the reverse complement: TMEM127 is on the minus strand); deleting any 25 consecutive bases within chr2:96,265,334-96,265,361 gives the same sequence; the c. name uses the placement nearest the transcript's 3' end. VCF-style (leftmost placement, unchanged base first): chr2-96265333-TCCTCCGCCGGCGCCCGCCGGGCAGC-T. GRCh37 (hg19) VCF-style: chr2-96931071-TCCTCCGCCGGCGCCCGCCGGGCAGC-T.
Other names: c.24_48del, p.Leu9fs (NM_001193304.3); short protein forms L9fs.
Identifiers: ClinVar variation 1451314 (VCV001451314.6), dbSNP rs2104308313, ClinGen allele CA2573135959.